The following is an entry in ClinVar:

ClinVar aggregate classification (germline): Pathogenic (1 of 4 stars; one submission).

Conditions:
Familial cancer of breast. Also called: Hereditary breast cancer; BREAST CANCER, FAMILIAL; hereditary breast carcinoma. Identifiers: Orphanet 227535, MedGen C0346153, MONDO:0016419, OMIM 114480. Disease mechanism: loss of function.

Submission:

Myriad Genetics, Inc.
Classification: Pathogenic for Familial cancer of breast. Last evaluated: 2023-06-07. Review status: criteria provided, single submitter. Criteria: Myriad Autosomal Dominant, Autosomal Recessive and X-Linked Classification Criteria (2023). Collection method: clinical testing. Allele origin: unknown.
Comment: This variant is considered pathogenic. This variant creates a frameshift predicted to result in premature protein truncation.

NM_032043.3(BRIP1):c.2798dup (p.Asn933fs)

Gene: BRIP1 (BRCA1 interacting DNA helicase 1; minus strand). Cytogenetic location: 17q23.2.
Variant type: Duplication.
Coding change: c.2798dup on transcript NM_032043.3 (MANE Select); coding-DNA position 2798, one base duplicated (A; older notation c.2798dupA).
Protein change: p.Asn933fs; shifts the reading frame from asparagine 933.
Molecular consequence: frameshift variant.
Genome position (GRCh38, 1-based): chr17:61,685,943, T duplicated on the plus strand (A on the coding strand, the reverse complement: BRIP1 is on the minus strand); the first of 4 consecutive T bases (chr17:61,685,943-61,685,946); duplicating any one gives the same sequence. VCF-style (leftmost placement, unchanged base first): chr17-61685942-A-AT. GRCh37 (hg19) VCF-style: chr17-59763303-A-AT.
Other names: short protein forms N933fs.
Identifiers: ClinVar variation 2583634 (VCV002583634.2), dbSNP rs2544571074, ClinGen allele CA2582342317.